The following is an entry in ClinVar:

NM_003919.3(SGCE):c.305G>A (p.Arg102Gln)

Genes: CASD1 (CAS1 domain sialic acid O acetyltransferase 1; plus strand), SGCE (sarcoglycan epsilon; minus strand). Cytogenetic location: 7q21.3.
Variant type: single nucleotide variant.
Coding change: c.305G>A on transcript NM_003919.3 (MANE Select); coding-DNA position 305, G replaced by A.
Protein change: p.Arg102Gln; replaces arginine 102 with glutamine.
Molecular consequence: missense variant.
Genome position (GRCh38, 1-based): chr7:94,628,287, C>T on the plus strand (G>A on the coding strand, the complement: SGCE is on the minus strand). VCF-style: chr7-94628287-C-T. GRCh37 (hg19) VCF-style: chr7-94257599-C-T.
Other names: c.305G>A, p.Arg102Gln (NM_001346717.2, NM_001099400.2, NM_001099401.2); c.218G>A, p.Arg73Gln (NM_001346719.2, NM_001362807.2); c.32G>A, p.Arg11Gln (NM_001346720.2, NM_001362808.2); c.182G>A, p.Arg61Gln (NM_001362809.2, NM_001301139.2); c.413G>A, p.Arg138Gln (NM_001346713.2, NM_001346715.2); short protein forms R102Q, R11Q, R138Q, R61Q, R73Q.
Identifiers: ClinVar variation 1057780 (VCV001057780.9), dbSNP rs753195301, ClinGen allele CA4348842.
Genomic context (GRCh38, chr7:94,628,287, plus strand): 5'-TTTTCAGCTGTTGGGGACCCATATAGGACTCCATCACTATATGGTGTCCTTTGGATATAT[C>T]GAAGCCATCCAGGTCGGTCTGGGTAACCCATTAAATTTGTATTAAATGTTATGGGATCAT-3'
Protein context (NP_003910.1, residues 92-112): MGYPDRPGWL[Arg102Gln]YIQRTPYSDG

ClinVar aggregate classification (germline): Uncertain significance (1 of 4 stars; one submission).

Conditions:
Myoclonic dystonia 11 (DYT11). Also called: DYT-SGCE; Myoclonic dystonia; Dystonia 11; Dystonia, alcohol responsive; Hereditary essential myoclonus; SGCE Myoclonus-Dystonia. Identifiers: Orphanet 36899, MedGen C1834570, MONDO:0008044, OMIM 159900.

Allele frequency attached by ClinVar (database versions not stated): gnomAD exomes 0.00001 and 0.00003; ExAC 0.00003; gnomAD 0.00003 and 0.00004; TOPMed 0.00005.
gnomAD v4.1: 25 of 1,611,308 alleles (0.0016%); highest among the groups gnomAD compares: Admixed American, 0.027%; no homozygotes.

Submission:

Labcorp Genetics (formerly Invitae), Labcorp
Classification: Uncertain significance for Myoclonic dystonia 11. Last evaluated: 2025-10-17. Review status: criteria provided, single submitter. Criteria: Invitae Variant Classification Sherloc (09022015). Collection method: clinical testing. Allele origin: germline.
Comment: This sequence change replaces arginine, which is basic and polar, with glutamine, which is neutral and polar, at codon 102 of the SGCE protein (p.Arg102Gln). This variant is present in population databases (rs753195301, gnomAD 0.02%). This missense change has been observed in individual(s) with myoclonus dystonia (PMID: 22026499). ClinVar contains an entry for this variant (Variation ID: 1057780). Invitae Evidence Modeling of protein sequence and biophysical properties (such as structural, functional, and spatial information, amino acid conservation, physicochemical variation, residue mobility, and thermodynamic stability) has been performed for this missense variant. However, the output from this modeling did not meet the statistical confidence thresholds required to predict the impact of this variant on SGCE protein function. In summary, the available evidence is currently insufficient to determine the role of this variant in disease. Therefore, it has been classified as a Variant of Uncertain Significance.

Literature cited by the submitters: PubMed 22026499.